The following is an entry in ClinVar:

ClinVar aggregate classification (germline): Conflicting classifications of pathogenicity. Review status: criteria provided, conflicting classifications (1 of 4 stars). 8 submissions from 6 submitters: Uncertain significance (1); Benign (2); Likely benign (5). Last evaluated 2025-08-14.

Conditions:
Liddle syndrome 1 (LIDLS1). Also called: PSEUDOALDOSTERONISM. Identifiers: Orphanet 526, MedGen CN031472, MONDO:0020607, OMIM 177200.
Pseudohypoaldosteronism, type IB1, autosomal recessive. Also called: Pseudohypoaldosteronism, Type I, Autosomal Recessive; Pseudohypoaldosteronism, Type I, Recessive; PHA I, AUTOSOMAL RECESSIVE; Autosomal recessive pseudohypoaldosteronism type 1. Identifiers: Orphanet 171876, Orphanet 756, MedGen C5774176, MONDO:0009917, OMIM 264350.
Bronchiectasis with or without elevated sweat chloride 1 (BESC1). Also called: Cystic Fibrosis-Like Syndrome. Identifiers: Orphanet 60033, MedGen C2749757, MONDO:0008887, OMIM 211400.

Allele frequency attached by ClinVar (database versions not stated): gnomAD 0.00019; TOPMed 0.00027; gnomAD exomes 0.00028; ESP Exome Variant Server 0.00031; 1000 Genomes Project 30x 0.00078; 1000 Genomes Project 0.00080.
gnomAD v4.1: 938 of 1,614,042 alleles (0.058%); highest among the groups gnomAD compares: East Asian, 0.26%; 1 homozygote.

Submissions (8):

Mayo Clinic Laboratories, Mayo Clinic
Classification: Likely benign. Last evaluated: 2025-08-14. Review status: criteria provided, single submitter. Criteria: ACMG Guidelines, 2015. Collection method: clinical testing. Allele origin: germline. Observed: 1 variant allele.
Comment: BP4, BP7

Labcorp Genetics (formerly Invitae), Labcorp
Classification: Likely benign. Last evaluated: 2025-04-30. Review status: criteria provided, single submitter. Criteria: Invitae Variant Classification Sherloc (09022015). Collection method: clinical testing. Allele origin: germline.

Blueprint Genetics
Classification: Likely benign. Last evaluated: 2024-11-05. Review status: criteria provided, single submitter. Criteria: ACMG Guidelines, 2015. Collection method: clinical testing. Allele origin: germline.

CeGaT Center for Human Genetics Tuebingen
Classification: Likely benign. Last evaluated: 2023-04-01. Review status: criteria provided, single submitter. Criteria: CeGaT Center For Human Genetics Tuebingen Variant Classification Criteria Version 2. Collection method: clinical testing. Allele origin: germline. Affected: yes. Observed: 1 variant allele.
Comment: SCNN1B: BP4, BP7

Illumina Laboratory Services, Illumina
Classification: Uncertain significance for Pseudohypoaldosteronism, type IB1, autosomal recessive. Last evaluated: 2018-01-12. Review status: criteria provided, single submitter. Criteria: ICSL Variant Classification Criteria 13 December 2019. Collection method: clinical testing. Allele origin: germline.

Illumina Laboratory Services, Illumina
Classification: Benign for Bronchiectasis with or without elevated sweat chloride 1. Last evaluated: 2018-01-12. Review status: criteria provided, single submitter. Criteria: ICSL Variant Classification Criteria 13 December 2019. Collection method: clinical testing. Allele origin: germline.
Comment: This variant was observed in the ICSL laboratory as part of a predisposition screen in an ostensibly healthy population. It had not been previously curated by ICSL or reported in the Human Gene Mutation Database (HGMD: prior to June 1st, 2018), and was therefore a candidate for classification through an automated scoring system. Utilizing variant allele frequency, disease prevalence and penetrance estimates, and inheritance mode, an automated score was calculated to assess if this variant is too frequent to cause the disease. Based on the score and internal cut-off values, a variant classified as benign is not then subjected to further curation. The score for this variant resulted in a classification of benign for this disease.

Illumina Laboratory Services, Illumina
Classification: Benign for Liddle syndrome 1. Last evaluated: 2018-01-12. Review status: criteria provided, single submitter. Criteria: ICSL Variant Classification Criteria 13 December 2019. Collection method: clinical testing. Allele origin: germline.
Comment: the same text as in the submission from Illumina Laboratory Services, Illumina above.

Laboratory for Molecular Medicine, Mass General Brigham Personalized Medicine
Classification: Likely benign. Last evaluated: 2013-02-21. Review status: criteria provided, single submitter. Criteria: LMM Criteria. Collection method: clinical testing. Allele origin: germline. Observed: 2 variant alleles.
Comment: Pro407Pro in exon 8 of SCNN1B: This variant is not expected to have clinical sig nificance because it does not alter an amino acid residue and is not located wit hin the splice consensus sequence. It has been identified in 4/8600 European Ame rican chromosomes from a broad population by the NHLBI Exome Sequencing Project (dbSNP rs2303156).

NM_000336.3(SCNN1B):c.1221A>G (p.Pro407=)

Gene: SCNN1B (sodium channel epithelial 1 subunit beta; plus strand). Cytogenetic location: 16p12.2.
Variant type: single nucleotide variant.
Coding change: c.1221A>G on transcript NM_000336.3 (MANE Select); coding-DNA position 1221, A replaced by G.
Protein change: p.Pro407=; no amino-acid change (proline 407 retained).
Molecular consequence: synonymous variant.
Genome position (GRCh38, 1-based): chr16:23,375,806, A>G. VCF-style: chr16-23375806-A-G. GRCh37 (hg19) VCF-style: chr16-23387127-A-G.
Other names: p.Pro407=.
Identifiers: ClinVar variation 178803 (VCV000178803.38), dbSNP rs2303156, ClinGen allele CA183066.